The following is an entry in ClinVar:

ClinVar aggregate classification (germline): Uncertain significance (1 of 4 stars; one submission).

Submission:

GeneDx
Classification: Uncertain significance. Last evaluated: 2024-11-19. Review status: criteria provided, single submitter. Criteria: GeneDx Variant Classification Process June 2021. Collection method: clinical testing. Allele origin: germline. Affected: yes.
Comment: Not observed at significant frequency in large population cohorts (gnomAD); In silico analysis supports that this missense variant has a deleterious effect on protein structure/function; Has not been previously published as pathogenic or benign to our knowledge

NM_002941.4(ROBO1):c.2555T>A (p.Val852Glu)

Gene: ROBO1 (roundabout guidance receptor 1; minus strand). Cytogenetic location: 3p12.3.
Variant type: single nucleotide variant.
Coding change: c.2555T>A on transcript NM_002941.4 (MANE Select); coding-DNA position 2555, T replaced by A.
Protein change: p.Val852Glu; replaces valine 852 with glutamic acid.
Molecular consequence: missense variant.
Genome position (GRCh38, 1-based): chr3:78,657,157, A>T on the plus strand (T>A on the coding strand, the complement: ROBO1 is on the minus strand). VCF-style: chr3-78657157-A-T. GRCh37 (hg19) VCF-style: chr3-78706307-A-T.
Other names: c.2447T>A, p.Val816Glu (NM_001145845.2, NM_133631.4); short protein forms V816E, V852E.
Identifiers: ClinVar variation 3900382 (VCV003900382.1).